The following is an entry in ClinVar:

ClinVar aggregate classification (germline): Uncertain significance. Review status: criteria provided, multiple submitters, no conflicts (2 of 4 stars). 3 submissions from 3 submitters: Uncertain significance (2). 1 of the submissions does not count toward it. Last evaluated 2022-07-09.

Conditions:
Leukoencephalopathy-thalamus and brainstem anomalies-high lactate syndrome. Also called: Combined oxidative phosphorylation deficiency 12; LEUKOENCEPHALOPATHY WITH THALAMUS AND BRAINSTEM INVOLVEMENT AND HIGH LACTATE. Identifiers: Orphanet 314051, MedGen C4706421, MONDO:0013971, OMIM 614924.

Allele frequency attached by ClinVar (database versions not stated): gnomAD 0.00001; TOPMed 0.00001; ExAC 0.00002; gnomAD exomes 0.00002; 1000 Genomes Project 30x 0.00016; 1000 Genomes Project 0.00020.

Submissions (3):

Labcorp Genetics (formerly Invitae), Labcorp
Classification: Uncertain significance. Last evaluated: 2022-07-09. Review status: criteria provided, single submitter. Criteria: Invitae Variant Classification Sherloc (09022015). Collection method: clinical testing. Allele origin: germline.
Comment: In summary, the available evidence is currently insufficient to determine the role of this variant in disease. Therefore, it has been classified as a Variant of Uncertain Significance. Advanced modeling of protein sequence and biophysical properties (such as structural, functional, and spatial information, amino acid conservation, physicochemical variation, residue mobility, and thermodynamic stability) performed at Invitae indicates that this missense variant is expected to disrupt EARS2 protein function. This variant has not been reported in the literature in individuals affected with EARS2-related conditions. This variant is present in population databases (rs534853747, gnomAD 0.007%). This sequence change replaces arginine, which is basic and polar, with tryptophan, which is neutral and slightly polar, at codon 489 of the EARS2 protein (p.Arg489Trp).

Blueprint Genetics
Classification: Uncertain significance. Last evaluated: 2021-03-31. Review status: criteria provided, single submitter. Criteria: ACMG Guidelines, 2015. Collection method: clinical testing. Allele origin: germline.

OMIM
Classification: Pathogenic for COMBINED OXIDATIVE PHOSPHORYLATION DEFICIENCY 12. Last evaluated: 2024-01-26. Review status: no assertion criteria provided. Collection method: literature only. Allele origin: germline. Not counted in ClinVar's aggregate classification.

Literature cited by the submitters: PubMed 36349561 (cited by OMIM).

NM_001083614.2(EARS2):c.1465C>T (p.Arg489Trp)

Gene: EARS2 (glutamyl-tRNA synthetase 2, mitochondrial; minus strand). Cytogenetic location: 16p12.2.
Variant type: single nucleotide variant.
Coding change: c.1465C>T on transcript NM_001083614.2 (MANE Select); coding-DNA position 1465, C replaced by T.
Protein change: p.Arg489Trp; replaces arginine 489 with tryptophan.
Molecular consequence: missense variant. On other transcripts: non-coding transcript variant (1).
Genome position (GRCh38, 1-based): chr16:23,525,267, G>A on the plus strand (C>T on the coding strand, the complement: EARS2 is on the minus strand). VCF-style: chr16-23525267-G-A. GRCh37 (hg19) VCF-style: chr16-23536588-G-A.
Other names: c.1465C>T, p.Arg489Trp (NM_001308211.1, NM_133451.1); short protein forms R489W.
Identifiers: ClinVar variation 1978072 (VCV001978072.8), dbSNP rs534853747, ClinGen allele CA7962293.